The following is an entry in ClinVar:

ClinVar aggregate classification (germline): Uncertain significance (1 of 4 stars; one submission).

Conditions:
Osteogenesis imperfecta type I (OI1). Also called: Lobstein's Disease; Classic Non-deforming Osteogenesis Imperfecta with Blue Sclerae; Lobstein disease; OI, TYPE I; OSTEOGENESIS IMPERFECTA TARDA; OSTEOGENESIS IMPERFECTA WITH BLUE SCLERAE. Identifiers: Orphanet 216796, Orphanet 666, MedGen C0023931, MONDO:0008146, OMIM 166200. Disease mechanism: loss of function.

Submission:

Labcorp Genetics (formerly Invitae), Labcorp
Classification: Uncertain significance for Osteogenesis imperfecta type I. Last evaluated: 2023-12-19. Review status: criteria provided, single submitter. Criteria: Invitae Variant Classification Sherloc (09022015). Collection method: clinical testing. Allele origin: germline.
Comment: This sequence change replaces proline, which is neutral and non-polar, with arginine, which is basic and polar, at codon 477 of the COL1A1 protein (p.Pro477Arg). This variant is not present in population databases (gnomAD no frequency). This variant has not been reported in the literature in individuals affected with COL1A1-related conditions. Advanced modeling of protein sequence and biophysical properties (such as structural, functional, and spatial information, amino acid conservation, physicochemical variation, residue mobility, and thermodynamic stability) has been performed at Invitae for this missense variant, however the output from this modeling did not meet the statistical confidence thresholds required to predict the impact of this variant on COL1A1 protein function. In summary, the available evidence is currently insufficient to determine the role of this variant in disease. Therefore, it has been classified as a Variant of Uncertain Significance.

NM_000088.4(COL1A1):c.1430C>G (p.Pro477Arg)

Gene: COL1A1 (collagen type I alpha 1 chain; minus strand). Cytogenetic location: 17q21.33.
Variant type: single nucleotide variant.
Coding change: c.1430C>G on transcript NM_000088.4 (MANE Select); coding-DNA position 1430, C replaced by G.
Protein change: p.Pro477Arg; replaces proline 477 with arginine.
Molecular consequence: missense variant.
Genome position (GRCh38, 1-based): chr17:50,194,752, G>C on the plus strand (C>G on the coding strand, the complement: COL1A1 is on the minus strand). VCF-style: chr17-50194752-G-C. GRCh37 (hg19) VCF-style: chr17-48272113-G-C.
Other names: short protein forms P477R.
Identifiers: ClinVar variation 2724668 (VCV002724668.3), dbSNP rs1375038120, ClinGen allele CA400217704.